The following is an entry in ClinVar:

ClinVar aggregate classification (germline): Uncertain significance (1 of 4 stars; one submission).

Submission:

Labcorp Genetics (formerly Invitae), Labcorp
Classification: Uncertain significance. Last evaluated: 2021-12-03. Review status: criteria provided, single submitter. Criteria: Invitae Variant Classification Sherloc (09022015). Collection method: clinical testing. Allele origin: germline.
Comment: This sequence change replaces alanine, which is neutral and non-polar, with aspartic acid, which is acidic and polar, at codon 908 of the DCHS1 protein (p.Ala908Asp). In summary, the available evidence is currently insufficient to determine the role of this variant in disease. Therefore, it has been classified as a Variant of Uncertain Significance. Advanced modeling of protein sequence and biophysical properties (such as structural, functional, and spatial information, amino acid conservation, physicochemical variation, residue mobility, and thermodynamic stability) performed at Invitae indicates that this missense variant is not expected to disrupt DCHS1 protein function. This variant has not been reported in the literature in individuals affected with DCHS1-related conditions. This variant is not present in population databases (gnomAD no frequency).

NM_003737.4(DCHS1):c.2723C>A (p.Ala908Asp)

Gene: DCHS1 (dachsous cadherin-related 1; minus strand). Cytogenetic location: 11p15.4.
Variant type: single nucleotide variant.
Coding change: c.2723C>A on transcript NM_003737.4 (MANE Select); coding-DNA position 2723, C replaced by A.
Protein change: p.Ala908Asp; replaces alanine 908 with aspartic acid.
Molecular consequence: missense variant.
Genome position (GRCh38, 1-based): chr11:6,632,789, G>T on the plus strand (C>A on the coding strand, the complement: DCHS1 is on the minus strand). VCF-style: chr11-6632789-G-T. GRCh37 (hg19) VCF-style: chr11-6654020-G-T.
Other names: short protein forms A908D.
Identifiers: ClinVar variation 1446976 (VCV001446976.6), dbSNP rs2134631665, ClinGen allele CA379419552.
Genomic context (GRCh38, chr11:6,632,789, plus strand): 5'-CGACTGTTAACACCTGAGTCGGGGTCAAGAGCCCGCAGTGTATAGATGGGAGTCCCTGGG[G>T]CAGTGTTTGGTGGTAGCAATACCGTGTCTTCAGGTGCAGGAAAGGCAGGGGAGTTGTCAT-3'
Protein context (NP_003728.1, residues 898-918): EDTVLLPPNT[Ala908Asp]PGTPIYTLRA